The following is an entry in ClinVar:

ClinVar aggregate classification (germline): Uncertain significance. Review status: criteria provided, multiple submitters, no conflicts (2 of 4 stars). 3 submissions from 3 submitters: Uncertain significance (2). 1 of the submissions does not count toward it. Last evaluated 2023-12-13.

Conditions:
TUBA8-related disorder. Also called: TUBA8-related condition.

Allele frequency attached by ClinVar (database versions not stated): TOPMed 0.00007.
gnomAD v4.1: 26 of 1,613,780 alleles (0.0016%); highest among the groups gnomAD compares: Admixed American, 0.0083%; no homozygotes.

Submissions (3):

Labcorp Genetics (formerly Invitae), Labcorp
Classification: Uncertain significance. Last evaluated: 2023-12-13. Review status: criteria provided, single submitter. Criteria: Invitae Variant Classification Sherloc (09022015). Collection method: clinical testing. Allele origin: germline.
Comment: This sequence change replaces alanine, which is neutral and non-polar, with threonine, which is neutral and polar, at codon 273 of the TUBA8 protein (p.Ala273Thr). This variant is present in population databases (no rsID available, gnomAD 0.006%). This variant has not been reported in the literature in individuals affected with TUBA8-related conditions. ClinVar contains an entry for this variant (Variation ID: 2420869). Advanced modeling of protein sequence and biophysical properties (such as structural, functional, and spatial information, amino acid conservation, physicochemical variation, residue mobility, and thermodynamic stability) has been performed at Invitae for this missense variant, however the output from this modeling did not meet the statistical confidence thresholds required to predict the impact of this variant on TUBA8 protein function. In summary, the available evidence is currently insufficient to determine the role of this variant in disease. Therefore, it has been classified as a Variant of Uncertain Significance.

Women's Health and Genetics/Laboratory Corporation of America, LabCorp
Classification: Uncertain significance. Last evaluated: 2023-11-08. Review status: criteria provided, single submitter. Criteria: LabCorp Variant Classification Summary - May 2015. Collection method: clinical testing. Allele origin: germline.
Comment: Variant summary: TUBA8 c.817G>A (p.Ala273Thr) results in a non-conservative amino acid change located in the Tubulin/FtsZ, 2-layer sandwich domain (IPR018316) of the encoded protein sequence. Three of five in-silico tools predict a damaging effect of the variant on protein function. The variant allele was found at a frequency of 2e-05 in 251382 control chromosomes. The available data on variant occurrences in the general population are insufficient to allow any conclusion about variant significance. To our knowledge, no occurrence of c.817G>A in individuals affected with Macrothrombocytopenia, Isolated, 2, Autosomal Dominant and no experimental evidence demonstrating its impact on protein function have been reported. One submitter has cited clinical-significance assessments for this variant to ClinVar after 2014 and has classified the variant as uncertain significance. Based on the evidence outlined above, the variant was classified as uncertain significance.

PreventionGenetics, part of Exact Sciences
Classification: Uncertain significance for TUBA8-related condition. Last evaluated: 2023-12-11. Review status: no assertion criteria provided. Collection method: clinical testing. Allele origin: germline. Not counted in ClinVar's aggregate classification.
Comment: The TUBA8 c.817G>A variant is predicted to result in the amino acid substitution p.Ala273Thr. To our knowledge, this variant has not been reported in the literature. This variant is reported in 0.0058% of alleles in individuals of Latino descent in gnomAD. At this time, the clinical significance of this variant is uncertain due to the absence of conclusive functional and genetic evidence.

NM_018943.3(TUBA8):c.817G>A (p.Ala273Thr)

Gene: TUBA8 (tubulin alpha 8; plus strand). Cytogenetic location: 22q11.21.
Variant type: single nucleotide variant.
Coding change: c.817G>A on transcript NM_018943.3 (MANE Select); coding-DNA position 817, G replaced by A.
Protein change: p.Ala273Thr; replaces alanine 273 with threonine.
Molecular consequence: missense variant.
Genome position (GRCh38, 1-based): chr22:18,126,795, G>A. VCF-style: chr22-18126795-G-A. GRCh37 (hg19) VCF-style: chr22-18609562-G-A.
Other names: c.619G>A, p.Ala207Thr (NM_001193414.2); c.817G>A (NM_018943.2); short protein forms A207T, A273T.
Identifiers: ClinVar variation 2420869 (VCV002420869.9), dbSNP rs940095586, ClinGen allele CA321284304.